The following is an entry in ClinVar:

ClinVar aggregate classification (germline): Uncertain significance. Review status: criteria provided, multiple submitters, no conflicts (2 of 4 stars). 2 submissions from 2 submitters: Uncertain significance (2). Last evaluated 2025-08-26.

Conditions:
Dilated cardiomyopathy 1G (CMD1G). Identifiers: Orphanet 154, MedGen C1858763, MONDO:0011400, OMIM 604145.
Autosomal recessive limb-girdle muscular dystrophy type 2J (LGMDR10). Also called: Limb-girdle muscular dystrophy, type 2J; MUSCULAR DYSTROPHY, LIMB-GIRDLE, AUTOSOMAL RECESSIVE 10. Identifiers: Orphanet 140922, MedGen C1837342, MONDO:0012127, OMIM 608807.

Allele frequency attached by ClinVar (database versions not stated): TOPMed below 0.00001; gnomAD 0.00001; ExAC 0.00002.
gnomAD v4.1: 22 of 1,613,894 alleles (0.0014%); highest among the groups gnomAD compares: Non-Finnish European, 0.0019%; no homozygotes.

Submissions (2):

Labcorp Genetics (formerly Invitae), Labcorp
Classification: Uncertain significance for Dilated cardiomyopathy 1G; Autosomal recessive limb-girdle muscular dystrophy type 2J. Last evaluated: 2025-08-26. Review status: criteria provided, single submitter. Criteria: Invitae Variant Classification Sherloc (09022015). Collection method: clinical testing. Allele origin: germline.
Comment: This sequence change replaces threonine, which is neutral and polar, with isoleucine, which is neutral and non-polar, at codon 35070 of the TTN protein (p.Thr35070Ile). This variant is present in population databases (rs770922693, gnomAD 0.004%). This variant has not been reported in the literature in individuals affected with TTN-related conditions. ClinVar contains an entry for this variant (Variation ID: 2144226). Experimental studies and prediction algorithms are not available or were not evaluated, and the functional significance of this variant is currently unknown. This variant is located in the M band of TTN (PMID: 25589632). Non-truncating variants in this region may be relevant for neuromuscular disorders, but have not been definitively shown to cause cardiomyopathy (PMID: 23975875). In summary, the available evidence is currently insufficient to determine the role of this variant in disease. Therefore, it has been classified as a Variant of Uncertain Significance.

CeGaT Center for Human Genetics Tuebingen
Classification: Uncertain significance. Last evaluated: 2025-02-01. Review status: criteria provided, single submitter. Criteria: CeGaT Center For Human Genetics Tuebingen Variant Classification Criteria Version 2. Collection method: clinical testing. Allele origin: germline. Affected: yes. Observed: 1 variant allele.
Comment: TTN: PM2, BP4

Literature cited by the submitters: PubMed 25589632 (cited by Labcorp Genetics (formerly Invitae), Labcorp); PubMed 23975875 (cited by Labcorp Genetics (formerly Invitae), Labcorp).

NM_001267550.2(TTN):c.105209C>T (p.Thr35070Ile)

Genes: TTN (titin; minus strand), TTN-AS1 (TTN antisense RNA 1; plus strand). Cytogenetic location: 2q31.2.
Variant type: single nucleotide variant.
Coding change: c.105209C>T on transcript NM_001267550.2 (MANE Select); coding-DNA position 105209, C replaced by T.
Protein change: p.Thr35070Ile; replaces threonine 35070 with isoleucine.
Molecular consequence: missense variant.
Genome position (GRCh38, 1-based): chr2:178,531,406, G>A on the plus strand (C>T on the coding strand, the complement: TTN is on the minus strand). VCF-style: chr2-178531406-G-A. GRCh37 (hg19) VCF-style: chr2-179396133-G-A.
Other names: c.100286C>T, p.Thr33429Ile (NM_001256850.1); c.78014C>T, p.Thr26005Ile (NM_003319.4); c.97505C>T, p.Thr32502Ile (NM_133378.4); c.78389C>T, p.Thr26130Ile (NM_133432.3); c.78590C>T, p.Thr26197Ile (NM_133437.4); short protein forms T26005I, T26130I, T26197I, T32502I, T33429I, T35070I.
Identifiers: ClinVar variation 2144226 (VCV002144226.15), dbSNP rs770922693, ClinGen allele CA1985293.
Genomic context (GRCh38, chr2:178,531,406, plus strand): 5'-CTTGTCTCCGTCATCTGTGATTTCACTTCCCTGACAGAAGACGAAGCTTCCATCTCAGAT[G>A]TTTTCTTAAATGATGAAACAGCATACGCCTCTGTTCTTGTCAGCTCAGGGAAAACAGATC-3'
Protein context (NP_001254479.2, residues 35060-35080): EAYAVSSFKK[Thr35070Ile]SEMEASSSVR